The following is an entry in ClinVar:

ClinVar aggregate classification (germline): Uncertain significance (1 of 4 stars; one submission).

Allele frequency attached by ClinVar (database versions not stated): 1000 Genomes Project 30x 0.00016; 1000 Genomes Project 0.00020.
gnomAD v4.1: 68 of 1,614,120 alleles (0.0042%); highest among the groups gnomAD compares: South Asian, 0.064%; 2 homozygotes.

Submission:

Labcorp Genetics (formerly Invitae), Labcorp
Classification: Uncertain significance. Last evaluated: 2022-06-17. Review status: criteria provided, single submitter. Criteria: Invitae Variant Classification Sherloc (09022015). Collection method: clinical testing. Allele origin: germline.
Comment: This sequence change replaces cysteine, which is neutral and slightly polar, with glycine, which is neutral and non-polar, at codon 2 of the AAAS protein (p.Cys2Gly). This variant is present in population databases (rs553553413, gnomAD 0.06%). This variant has not been reported in the literature in individuals affected with AAAS-related conditions. Algorithms developed to predict the effect of missense changes on protein structure and function are either unavailable or do not agree on the potential impact of this missense change (SIFT: "Tolerated"; PolyPhen-2: "Probably Damaging"; Align-GVGD: "Class C0"). Algorithms developed to predict the effect of sequence changes on RNA splicing suggest that this variant may create or strengthen a splice site. In summary, the available evidence is currently insufficient to determine the role of this variant in disease. Therefore, it has been classified as a Variant of Uncertain Significance.

NM_015665.6(AAAS):c.4T>G (p.Cys2Gly)

Genes: AAAS (aladin WD repeat nucleoporin; minus strand), LOC130007973 (ATAC-STARR-seq lymphoblastoid active region 6415; plus strand). Cytogenetic location: 12q13.13.
Variant type: single nucleotide variant.
Coding change: c.4T>G on transcript NM_015665.6 (MANE Select); coding-DNA position 4, T replaced by G.
Protein change: p.Cys2Gly; replaces cysteine 2 with glycine.
Molecular consequence: missense variant.
Genome position (GRCh38, 1-based): chr12:53,321,462, A>C on the plus strand (T>G on the coding strand, the complement: AAAS is on the minus strand). VCF-style: chr12-53321462-A-C. GRCh37 (hg19) VCF-style: chr12-53715246-A-C.
Other names: c.4T>G, p.Cys2Gly (NM_001173466.2); short protein forms C2G.
Identifiers: ClinVar variation 1483937 (VCV001483937.5), dbSNP rs553553413, ClinGen allele CA6599387.